The following is an entry in ClinVar:

NM_000498.3(CYP11B2):c.1140del (p.Leu382fs)

Genes: CYP11B2 (cytochrome P450 family 11 subfamily B member 2; minus strand), LOC106799834 (CYP11B2 recombination region; plus strand). Cytogenetic location: 8q24.3.
Variant type: Deletion.
Coding change: c.1140del on transcript NM_000498.3 (MANE Select); coding-DNA position 1140, one base deleted (G; older notation c.1140delG).
Protein change: p.Leu382fs; shifts the reading frame from leucine 382.
Molecular consequence: frameshift variant.
Genome position (GRCh38, 1-based): chr8:142,912,867, C deleted on the plus strand (G on the coding strand, the reverse complement: CYP11B2 is on the minus strand). VCF-style (leftmost placement, unchanged base first): chr8-142912866-AC-A. GRCh37 (hg19) VCF-style: chr8-143994282-AC-A.
Other names: short protein forms L382fs.
Identifiers: ClinVar variation 2703927 (VCV002703927.3), dbSNP rs2488698551, ClinGen allele CA2688876021.

ClinVar aggregate classification (germline): Pathogenic (1 of 4 stars; one submission).

Allele frequency attached by ClinVar (database versions not stated): gnomAD exomes below 0.00001.

Submission:

Labcorp Genetics (formerly Invitae), Labcorp
Classification: Pathogenic. Last evaluated: 2023-12-18. Review status: criteria provided, single submitter. Criteria: Invitae Variant Classification Sherloc (09022015). Collection method: clinical testing. Allele origin: germline.
Comment: This sequence change creates a premature translational stop signal (p.Leu382Trpfs*5) in the CYP11B2 gene. It is expected to result in an absent or disrupted protein product. Loss-of-function variants in CYP11B2 are known to be pathogenic (PMID: 20494601, 22801770, 26936515). This variant is not present in population databases (gnomAD no frequency). This variant has not been reported in the literature in individuals affected with CYP11B2-related conditions. Algorithms developed to predict the effect of sequence changes on RNA splicing suggest that this variant may disrupt the consensus splice site. For these reasons, this variant has been classified as Pathogenic.

Literature cited by the submitters: PubMed 20494601; PubMed 22801770; PubMed 26936515.